The following is an entry in ClinVar:

ClinVar aggregate classification (germline): Uncertain significance (1 of 4 stars; one submission).

Conditions:
Inborn genetic diseases. Identifiers: MedGen C0950123, MeSH D030342.

Submission:

Ambry Genetics
Classification: Uncertain significance for Inborn genetic diseases. Last evaluated: 2026-08-18. Review status: criteria provided, single submitter. Criteria: Ambry Variant Classification Scheme 2023. Collection method: clinical testing. Allele origin: germline.
Comment: The p.K1383R variant (also known as c.4148A>G), located in coding exon 1 of the SAMD9 gene, results from an A to G substitution at nucleotide position 4148. The lysine at codon 1383 is replaced by arginine, an amino acid with highly similar properties. This amino acid position is conserved. In addition, this alteration is predicted to be tolerated by in silico analysis. Based on the available evidence, the clinical significance of this variant remains unclear.

NM_017654.4(SAMD9):c.4148A>G (p.Lys1383Arg)

Gene: SAMD9 (sterile alpha motif domain containing 9; minus strand). Cytogenetic location: 7q21.2.
Variant type: single nucleotide variant.
Coding change: c.4148A>G on transcript NM_017654.4 (MANE Select); coding-DNA position 4148, A replaced by G.
Protein change: p.Lys1383Arg; replaces lysine 1383 with arginine.
Molecular consequence: missense variant.
Genome position (GRCh38, 1-based): chr7:93,101,950, T>C on the plus strand (A>G on the coding strand, the complement: SAMD9 is on the minus strand). VCF-style: chr7-93101950-T-C. GRCh37 (hg19) VCF-style: chr7-92731263-T-C.
Other names: c.4148A>G, p.Lys1383Arg (NM_001193307.2); short protein forms K1383R.
Identifiers: ClinVar variation 5028794 (VCV005028794.1).
Genomic context (GRCh38, chr7:93,101,950, plus strand): 5'-CTGGAGGTAGGTTGGATACAGGAGAGAATAATGTTGGCCAAGATGAAATTTAGCTTTTCT[T>C]TTGACTGGATTTTGACAGTGCATTGTTCTAAGAGAAAAGTATATTCGTTCACTATACATT-3'
Protein context (NP_060124.2, residues 1373-1393): LEQCTVKIQS[Lys1383Arg]EKLNFILANI